The following is an entry in ClinVar:

ClinVar aggregate classification (germline): Uncertain significance (1 of 4 stars; one submission).

Conditions:
Polycystic kidney disease, adult type (PKD1). Also called: Polycystic Kidney Disease 1, Autosomal Dominant; Polycystic kidney disease 1; Polycystic kidney disease 1, severe; POLYCYSTIC KIDNEY DISEASE, ADULT, TYPE I; Polycystic Kidney, Autosomal Dominant; POLYCYSTIC KIDNEY DISEASE 1 WITH OR WITHOUT POLYCYSTIC LIVER DISEASE. Identifiers: MedGen C3149841, MONDO:0008263, OMIM 173900.

Submission:

Victorian Clinical Genetics Services, Murdoch Childrens Research Institute
Classification: Uncertain significance for Polycystic kidney disease, adult type. Last evaluated: 2026-05-28. Review status: criteria provided, single submitter. Criteria: ACMG Guidelines, 2015. Collection method: clinical testing. Allele origin: germline. Affected: yes.
Comment: This variant is classified as VUS-3B. Evidence in support of pathogenic classification: In-frame insertion in a non-repetitive region that has low conservation; Variant is absent from gnomAD (v2, v3 and v4). Additional information: This variant is heterozygous; This gene is associated with autosomal dominant disease. Polycystic kidney disease 1 (MIM#173900) is predominantly caused by monoallelic variants, with rare reports of biallelic variants causing disease (OMIM); This variant has no previous evidence of pathogenicity; No published evidence of segregation with disease has been identified for this variant; No published functional evidence has been identified for this variant; No comparable variants have previous evidence for pathogenicity; Variant is not located in an established domain, motif, hotspot or informative constraint region (DECIPHER); Loss of function is a known mechanism of disease in this gene and is associated with polycystic kidney disease 1 (MIM#173900); Inheritance information for this variant is not currently available in this individual.

NM_001009944.3(PKD1):c.11065_11082dup (p.Cys3694_His3695insTyrGlyAspAlaSerCys)

Genes: PKD1-AS1 (PKD1 antisense RNA 1; plus strand), PKD1 (polycystin 1, transient receptor potential channel interacting; minus strand). Cytogenetic location: 16p13.3.
Variant type: Duplication.
Coding change: c.11065_11082dup on transcript NM_001009944.3 (MANE Select); coding-DNA positions 11065 to 11082, 18 bases duplicated (TATGGGGATGCCTCATGC).
Protein change: p.Cys3694_His3695insTyrGlyAspAlaSerCys.
Molecular consequence: inframe insertion.
Genome position (GRCh38, 1-based): chr16:2,093,028-2,093,045, GCATGAGGCATCCCCATA duplicated on the plus strand (TATGGGGATGCCTCATGC on the coding strand, the reverse complement: PKD1 is on the minus strand); duplicating any 18 consecutive bases within chr16:2,093,028-2,093,047 gives the same sequence; the c. name uses the placement nearest the transcript's 3' end. VCF-style (leftmost placement, unchanged base first): chr16-2093027-G-GGCATGAGGCATCCCCATA. GRCh37 (hg19) VCF-style: chr16-2143028-G-GGCATGAGGCATCCCCATA.
Other names: c.11062_11079dup, p.Cys3693_His3694insTyrGlyAspAlaSerCys (NM_000296.4).
Identifiers: ClinVar variation 4879605 (VCV004879605.1).
Genomic context (GRCh38, chr16:2,093,027, plus strand): 5'-GGAAGGCCCGGCTGTGCAGCTCCTGCTTGATGGCGCTTTGCAGACGGTAGGCGTGCCCAT[G>GGCATGAGGCATCCCCATA]GCATGAGGCATCCCCATAGCTGGCCAGCAGGGTCACCAGCAGAAAAAGCATGTACACCAG-3'